The following is an entry in ClinVar:

ClinVar aggregate classification (germline): Likely benign. Review status: criteria provided, single submitter (1 of 4 stars). 2 submissions from 2 submitters: Likely benign (1). 1 of the submissions does not count toward it. Last evaluated 2018-03-29.

Conditions:
LRP1-related disorder. Also called: LRP1-related condition.

Allele frequency attached by ClinVar (database versions not stated): 1000 Genomes Project 30x 0.00047; gnomAD 0.00055 and 0.00060; gnomAD exomes 0.00004 and 0.00016; ExAC 0.00027; TOPMed 0.00062; ESP Exome Variant Server 0.00112.

Submissions (2):

Labcorp Genetics (formerly Invitae), Labcorp
Classification: Likely benign. Last evaluated: 2018-03-29. Review status: criteria provided, single submitter. Criteria: Invitae Variant Classification Sherloc (09022015). Collection method: clinical testing. Allele origin: germline.

PreventionGenetics, part of Exact Sciences
Classification: Likely benign for LRP1-related condition. Last evaluated: 2019-04-04. Review status: no assertion criteria provided. Collection method: clinical testing. Allele origin: germline. Not counted in ClinVar's aggregate classification.
Comment: This variant is classified as likely benign based on ACMG/AMP sequence variant interpretation guidelines (Richards et al. 2015 PMID: 25741868, with internal and published modifications).

NM_002332.3(LRP1):c.10014+10del

Gene: LRP1 (LDL receptor related protein 1; plus strand). Cytogenetic location: 12q13.3.
Variant type: Deletion.
Coding change: c.10014+10del on transcript NM_002332.3 (MANE Select); 10 bases into the intron after coding-DNA position 10014, one base deleted (T; older notation c.10014+10delT).
Molecular consequence: intron variant.
Genome position (GRCh38, 1-based): chr12:57,200,035, T deleted. VCF-style (leftmost placement, unchanged base first): chr12-57200034-GT-G. GRCh37 (hg19) VCF-style: chr12-57593817-GT-G.
Identifiers: ClinVar variation 738451 (VCV000738451.5), dbSNP rs754786842, ClinGen allele CA6644840.
Genomic context (GRCh38, chr12:57,200,034, plus strand): 5'-CTACCTGGGCAGCGATGGGCGCACCTGTGTGTCCAACTGCACGGCTAGCCAGGTGAGGCT[GT>G]CCCCCAGACCCCATCACCAGTGCCCGCTCCCCAACCCCCAAATCCTCCTTGGACCCCAAC-3'